The following is an entry in ClinVar:

NM_021942.6(TRAPPC11):c.3002T>A (p.Val1001Asp)

Gene: TRAPPC11 (trafficking protein particle complex subunit 11; plus strand). Cytogenetic location: 4q35.1.
Variant type: single nucleotide variant.
Coding change: c.3002T>A on transcript NM_021942.6 (MANE Select); coding-DNA position 3002, T replaced by A.
Protein change: p.Val1001Asp; replaces valine 1001 with aspartic acid.
Molecular consequence: missense variant.
Genome position (GRCh38, 1-based): chr4:183,705,017, T>A. VCF-style: chr4-183705017-T-A. GRCh37 (hg19) VCF-style: chr4-184626170-T-A.
Other names: c.3002T>A, p.Val1001Asp (NM_199053.3); c.3002T>A (NM_021942.4); short protein forms V1001D.
Identifiers: ClinVar variation 541348 (VCV000541348.9), dbSNP rs200989029, ClinGen allele CA3152408.

ClinVar aggregate classification (germline): Uncertain significance. Review status: criteria provided, multiple submitters, no conflicts (2 of 4 stars). 2 submissions from 2 submitters: Uncertain significance (2). Last evaluated 2025-02-01.

Conditions:
Autosomal recessive limb-girdle muscular dystrophy type R18 (LGMDR18). Also called: MUSCULAR DYSTROPHY, LIMB-GIRDLE, AUTOSOMAL RECESSIVE 18; Autosomal recessive limb-girdle muscular dystrophy type 2S; Limb-girdle muscular dystrophy, type 2S. Identifiers: Orphanet 369840, MedGen C4517996, MONDO:0014144, OMIM 615356.
Inborn genetic diseases. Identifiers: MedGen C0950123, MeSH D030342.

Allele frequency attached by ClinVar (database versions not stated): gnomAD 0.00002; TOPMed 0.00003; ExAC 0.00004; gnomAD exomes 0.00005; ESP Exome Variant Server 0.00008.

Submissions (2):

Ambry Genetics
Classification: Uncertain significance for Inborn genetic diseases. Last evaluated: 2025-02-01. Review status: criteria provided, single submitter. Criteria: Ambry Variant Classification Scheme 2023. Collection method: clinical testing. Allele origin: germline.

Labcorp Genetics (formerly Invitae), Labcorp
Classification: Uncertain significance for Autosomal recessive limb-girdle muscular dystrophy type R18. Last evaluated: 2022-07-30. Review status: criteria provided, single submitter. Criteria: Invitae Variant Classification Sherloc (09022015). Collection method: clinical testing. Allele origin: germline.
Comment: This sequence change replaces valine, which is neutral and non-polar, with aspartic acid, which is acidic and polar, at codon 1001 of the TRAPPC11 protein (p.Val1001Asp). This variant is present in population databases (rs200989029, gnomAD 0.008%). This variant has not been reported in the literature in individuals affected with TRAPPC11-related conditions. ClinVar contains an entry for this variant (Variation ID: 541348). Algorithms developed to predict the effect of missense changes on protein structure and function are either unavailable or do not agree on the potential impact of this missense change (SIFT: "Deleterious"; PolyPhen-2: "Benign"; Align-GVGD: "Class C0"). In summary, the available evidence is currently insufficient to determine the role of this variant in disease. Therefore, it has been classified as a Variant of Uncertain Significance.